The following is an entry in ClinVar:

NM_001004334.4(GPR179):c.3443A>T (p.Asp1148Val)

Gene: GPR179 (G protein-coupled receptor 179; minus strand). Cytogenetic location: 17q12.
Variant type: single nucleotide variant.
Coding change: c.3443A>T on transcript NM_001004334.4 (MANE Select); coding-DNA position 3443, A replaced by T.
Protein change: p.Asp1148Val; replaces aspartic acid 1148 with valine.
Molecular consequence: missense variant.
Genome position (GRCh38, 1-based): chr17:38,330,126, T>A on the plus strand (A>T on the coding strand, the complement: GPR179 is on the minus strand). VCF-style: chr17-38330126-T-A. GRCh37 (hg19) VCF-style: chr17-36486009-T-A.
Other names: short protein forms D1148V.
Identifiers: ClinVar variation 1348163 (VCV001348163.8), dbSNP rs779853384, ClinGen allele CA398879804.

ClinVar aggregate classification (germline): Uncertain significance (1 of 4 stars; one submission).

Submission:

Labcorp Genetics (formerly Invitae), Labcorp
Classification: Uncertain significance. Last evaluated: 2022-02-02. Review status: criteria provided, single submitter. Criteria: Invitae Variant Classification Sherloc (09022015). Collection method: clinical testing. Allele origin: germline.
Comment: In summary, the available evidence is currently insufficient to determine the role of this variant in disease. Therefore, it has been classified as a Variant of Uncertain Significance. Algorithms developed to predict the effect of missense changes on protein structure and function are either unavailable or do not agree on the potential impact of this missense change (SIFT: "Deleterious"; PolyPhen-2: "Possibly Damaging"; Align-GVGD: "Class C0"). This variant has not been reported in the literature in individuals affected with GPR179-related conditions. This variant is not present in population databases (gnomAD no frequency). This sequence change replaces aspartic acid, which is acidic and polar, with valine, which is neutral and non-polar, at codon 1148 of the GPR179 protein (p.Asp1148Val).